The following is an entry in ClinVar:

ClinVar aggregate classification (germline): Likely pathogenic. Review status: criteria provided, multiple submitters, no conflicts (2 of 4 stars). 4 submissions from 4 submitters: Likely pathogenic (4). Last evaluated 2026-01-15.

Conditions:
Granulomatous disease, chronic, autosomal recessive, cytochrome b-negative. Also called: Chronic granulomatous disease, autosomal, due to deficiency of CYBA; GRANULOMATOUS DISEASE, CHRONIC, AUTOSOMAL RECESSIVE, 4; CGD DUE TO DEFICIENCY OF THE ALPHA SUBUNIT OF CYTOCHROME b; CGD, AUTOSOMAL RECESSIVE CYTOCHROME b-NEGATIVE; CYBA DEFICIENCY. Identifiers: Orphanet 379, MedGen C1856255, MONDO:0009308, OMIM 233690.
Chronic granulomatous disease. Identifiers: Orphanet 379, MedGen C0018203, MONDO:0018305.

Submissions (4):

Myriad Genetics, Inc.
Classification: Likely pathogenic for Granulomatous disease, chronic, autosomal recessive, cytochrome b-negative. Last evaluated: 2026-01-15. Review status: criteria provided, single submitter. Criteria: Myriad Autosomal Dominant, Autosomal Recessive and X-Linked Classification Criteria (2023). Collection method: clinical testing. Allele origin: unknown.
Comment: NM_000101.3(CYBA):c.288-3_300del16 is a variant in a canonical splice site classified as likely pathogenic in the context of chronic granulomatous disease, CYBA-related. c.288-3_300del16 has been observed in a case with relevant disease (PMID: 34547651). Relevant functional assessments of this variant are not available in the literature. c.288-3_300del16 has been observed in referenced population frequency databases. In summary, NM_000101.3(CYBA):c.288-3_300del16 is a variant in a canonical splice site in a gene where loss of function is a known mechanism of disease, is predicted to disrupt protein function, and has been observed more frequently in cases with the relevant disease than in healthy populations. Please note: this variant was assessed in the context of healthy population screening.

Labcorp Genetics (formerly Invitae), Labcorp
Classification: Likely pathogenic for Granulomatous disease, chronic, autosomal recessive, cytochrome b-negative. Last evaluated: 2024-03-27. Review status: criteria provided, single submitter. Criteria: Invitae Variant Classification Sherloc (09022015). Collection method: clinical testing. Allele origin: germline.
Comment: This variant results in the deletion of part of exon 5 (c.288-3_300del) of the CYBA gene. It is expected to disrupt RNA splicing. Variants that disrupt the donor or acceptor splice site typically lead to a loss of protein function (PMID: 16199547), and loss-of-function variants in CYBA are known to be pathogenic (PMID: 10910929, 20167518, 22876374). This variant is present in population databases (no rsID available, gnomAD 0.002%). This variant has been observed in individual(s) with chronic granulomatous disease (PMID: 20167518). This variant is also known as c.288-6_296del16. ClinVar contains an entry for this variant (Variation ID: 593535). In summary, the currently available evidence indicates that the variant is pathogenic, but additional data are needed to prove that conclusively. Therefore, this variant has been classified as Likely Pathogenic.

Women's Health and Genetics/Laboratory Corporation of America, LabCorp
Classification: Likely pathogenic for Chronic granulomatous disease. Last evaluated: 2023-06-26. Review status: criteria provided, single submitter. Criteria: LabCorp Variant Classification Summary - May 2015. Collection method: clinical testing. Allele origin: germline.
Comment: Variant summary: CYBA c.288-3_300del16 is located at a canonical splice-site and is predicted to affect mRNA splicing resulting in a significantly altered protein due to either exon skipping, shortening, or inclusion of intronic material. Several computational tools predict a significant impact on normal splicing: four predict the variant abolishes a 3' acceptor site. However, these predictions have yet to be confirmed by functional studies. The variant allele was found at a frequency of 6.2e-06 in 160216 control chromosomes (gnomAD). The available data on variant occurrences in the general population are insufficient to allow any conclusion about variant significance. c.288-3_300del16 has been reported in the literature in at least one compound heterozygous individual affected with Chronic Granulomatous Disease (e.g., Roos_2010, Roos_2021). These data do not allow any conclusion about variant significance. To our knowledge, no experimental evidence demonstrating an impact on protein function has been reported. The following publications have been ascertained in the context of this evaluation (PMID: 20167518, 34547651). Two submitters have reported clinical-significance assessments for this variant to ClinVar after 2014. Both submitters classified the variant as likely pathogenic. Based on the evidence outlined above, the variant was classified as likely pathogenic.

Eurofins Ntd Llc (ga)
Classification: Likely pathogenic. Last evaluated: 2017-08-28. Review status: criteria provided, single submitter. Criteria: EGL Classification Definitions 2015. Collection method: clinical testing. Allele origin: germline. Observed: 1 variant allele, 1 heterozygote.

Literature cited by the submitters: PubMed 34547651 (cited by Myriad Genetics, Inc. and Women's Health and Genetics/Laboratory Corporation of America, LabCorp); PubMed 16199547 (cited by Labcorp Genetics (formerly Invitae), Labcorp); PubMed 10910929 (cited by Labcorp Genetics (formerly Invitae), Labcorp); PubMed 20167518 (cited by Labcorp Genetics (formerly Invitae), Labcorp and Women's Health and Genetics/Laboratory Corporation of America, LabCorp); PubMed 22876374 (cited by Labcorp Genetics (formerly Invitae), Labcorp).

NM_000101.4(CYBA):c.288-3_300del

Gene: CYBA (cytochrome b-245 alpha chain; minus strand). Cytogenetic location: 16q24.2.
Variant type: Deletion.
Coding change: c.288-3_300del on transcript NM_000101.4 (MANE Select); 3 bases into the intron before coding-DNA position 288 through coding-DNA position 300, 16 bases deleted (CAGGCTCTCGGTGCCC).
Molecular consequence: splice acceptor variant.
Genome position (GRCh38, 1-based): chr16:88,646,185-88,646,200, GGGCACCGAGAGCCTG deleted on the plus strand (CAGGCTCTCGGTGCCC on the coding strand, the reverse complement: CYBA is on the minus strand); deleting any 16 consecutive bases within chr16:88,646,185-88,646,203 gives the same sequence; the c. name uses the placement nearest the transcript's 3' end. VCF-style (leftmost placement, unchanged base first): chr16-88646184-CGGGCACCGAGAGCCTG-C. GRCh37 (hg19) VCF-style: chr16-88712592-CGGGCACCGAGAGCCTG-C.
Other names: c.288-3_300del16 (NM_000101.3).
Identifiers: ClinVar variation 593535 (VCV000593535.11), dbSNP rs1567608830, ClinGen allele CA624184024.